The following is an entry in ClinVar:

ClinVar aggregate classification (germline): Uncertain significance (1 of 4 stars; one submission).

Conditions:
Cardiovascular phenotype. Identifiers: MedGen CN230736.

gnomAD v4.1: 1 of 1,613,258 alleles (0.000062%); highest among the groups gnomAD compares: South Asian, 0.0011%; no homozygotes.

Submission:

Ambry Genetics
Classification: Uncertain significance for Cardiovascular phenotype. Last evaluated: 2025-07-09. Review status: criteria provided, single submitter. Criteria: Ambry Variant Classification Scheme 2023. Collection method: clinical testing. Allele origin: germline.
Comment: The p.F1403L variant (also known as c.4207T>C), located in coding exon 30 of the LAMA4 gene, results from a T to C substitution at nucleotide position 4207. The phenylalanine at codon 1403 is replaced by leucine, an amino acid with highly similar properties. This amino acid position is conserved. In addition, this alteration is predicted to be tolerated by in silico analysis. Based on the available evidence, the clinical significance of this variant remains unclear.

NM_001105206.3(LAMA4):c.4228T>C (p.Phe1410Leu)

Gene: LAMA4 (laminin subunit alpha 4; minus strand). Cytogenetic location: 6q21.
Variant type: single nucleotide variant.
Coding change: c.4228T>C on transcript NM_001105206.3 (MANE Select); coding-DNA position 4228, T replaced by C.
Protein change: p.Phe1410Leu; replaces phenylalanine 1410 with leucine.
Molecular consequence: missense variant.
Genome position (GRCh38, 1-based): chr6:112,128,981, A>G on the plus strand (T>C on the coding strand, the complement: LAMA4 is on the minus strand). VCF-style: chr6-112128981-A-G. GRCh37 (hg19) VCF-style: chr6-112450183-A-G.
Other names: c.4207T>C, p.Phe1403Leu (NM_001105207.3, NM_002290.5); short protein forms F1403L, F1410L.
Identifiers: ClinVar variation 4096197 (VCV004096197.1).